The following continues an entry in ClinVar:

NM_014845.6(FIG4):c.122T>C (p.Ile41Thr)

Gene: FIG4. ClinVar aggregate classification (germline): Conflicting classifications of pathogenicity. Pathogenic (29); Likely pathogenic (5); Uncertain significance (1).

Submissions 17 to 29 of 44:

ARUP Laboratories, Molecular Genetics and Genomics, ARUP Laboratories
Classification: Pathogenic. Last evaluated: 2023-06-29. Review status: criteria provided, single submitter. Criteria: ARUP Molecular Germline Variant Investigation Process 2024. Collection method: clinical testing. Allele origin: germline.
Comment: The FIG4 c.122T>C; Ile41Thr variant (rs121908287) is reported in several unrelated individuals with a clinical diagnosis Charcot-Marie-Tooth disease (Chow 2007, Cottenie 2013, Menezes 2014, Nicholson 2011, Zhang 2008), often observed in trans to a truncating FIG4 variant (Chow 2007, Nicholson 2011). The variant is reported in the ClinVar database (Variation ID: 1721) and is reported in the general population with an overall allele frequency of 0.1% (284/282,242 alleles) in the Genome Aggregation Database. The isoleucine at codon 41 is highly conserved and computational analyses predict that this variant is deleterious (REVEL: 0.84). In support of this prediction, the p.Ile41Thr variant has been shown to impart instability to FIG4 protein (Ikonomov 2010, Lenk 2011). A FIG4 mouse model created using a null FIG4 allele and transgenic expression of the human p.Ile41Thr protein corroborates the conclusion that protein instability is likely the basis of the pathogenicity of the p.Ile41Thr variant (Lenk 2011, Winters 2011). Based on available information, this variant is classified as pathogenic. References: Chow CY et al. Mutation of FIG4 causes neurodegeneration in the pale tremor mouse and patients with CMT4J. Nature. 2007; 448(7149): 68-72. Cottenie E et al. Rapidly progressive asymmetrical weakness in Charcot-Marie-Tooth disease type 4J resembles chronic inflammatory demyelinating polyneuropathy. Neuromuscul Disord. 2013; 23(5): 399-403. Ikonomov OC et al. ArPIKfyve regulates Sac3 protein abundance and turnover: disruption of the mechanism by Sac3I41T mutation causing Charcot-Marie-Tooth 4J disorder. J Biol Chem. 2010; 285(35): 26760-26774. Lenk GM et al. Pathogenic mechanism of the FIG4 mutation responsible for Charcot-Marie-Tooth disease CMT4J. PLoS Genet. 2011; 7(6): e1002104. Menezes MP et al. Whole exome sequencing identifies three recessive FIG4 mutations in an apparently dominant pedigree with Charcot-Marie-Tooth disease. Neuromuscul Disord. 2014; 24(8): 666-670. Nicholson G et al. Distinctive genetic and clinical features of CMT4J: a severe neuropathy caused by mutations in the PI(3,5)P2 phosphatase FIG4. Brain. 2011; 134(Pt 7): 1959-1971. Winters JJ et al. Congenital CNS hypomyelination in the Fig4 null mouse is rescued by neuronal expression of the PI(3,5)P(2) phosphatase Fig4. J Neurosci. 2011; 31(48): 17736-17751. Zhang X et al. Mutation of FIG4 causes a rapidly progressive, asymmetric neuronal degeneration. Brain. 2008; 131(Pt 8): 1990-2001.

Laboratoire de Génétique Moléculaire, CHU Bordeaux
Classification: Likely pathogenic for Yunis-Varon syndrome. Last evaluated: 2023-06-19. Review status: criteria provided, single submitter. Criteria: ACMG Guidelines, 2015. Collection method: clinical testing. Allele origin: germline. Affected: yes.

Ambry Genetics
Classification: Pathogenic for Inborn genetic diseases. Last evaluated: 2022-09-19. Review status: criteria provided, single submitter. Criteria: Ambry Variant Classification Scheme 2023. Collection method: clinical testing. Allele origin: germline.
Comment: The p.I41T pathogenic mutation (also known as c.122T>C), located in coding exon 2 of the FIG4 gene, results from a T to C substitution at nucleotide position 122. The isoleucine at codon 41 is replaced by threonine, an amino acid with similar properties. This mutation has been reported in multiple individuals with Charcot-Marie-Tooth disease (Nicholson G et al. Brain, 2011 Jul;134:1959-71; Lenk GM et al. PLoS Genet., 2011 Jun;7:e1002104). Based on the supporting evidence, this alteration is interpreted as a disease-causing mutation.

3billion
Classification: Likely pathogenic for Charcot-Marie-Tooth disease type 4J. Last evaluated: 2022-09-01. Review status: criteria provided, single submitter. Criteria: ACMG Guidelines, 2015. Collection method: clinical testing. Allele origin: germline. Affected: yes. Observed: 1 heterozygote.
Comment: The variant is observed at an extremely low frequency in the gnomAD v2.1.1 dataset (total allele frequency: 0.101%). While this variant results in missense change, protein truncation variants are a common disease-causing mechanism. In silico tool predictions suggest damaging effect of the variant on gene or gene product (REVEL: 0.84; 3Cnet: 0.60). Same nucleotide change resulting in same amino acid change has been previously reported as pathogenic/likely pathogenic with strong evidence (ClinVar ID: VCV000001721). Therefore, this variant is classified as Likely pathogenic according to the recommendation of ACMG/AMP guideline.

MGZ Medical Genetics Center
Classification: Likely pathogenic for Amyotrophic lateral sclerosis type 11. Last evaluated: 2022-07-07. Review status: criteria provided, single submitter. Criteria: ACMG Guidelines, 2015. Collection method: clinical testing. Allele origin: germline. Affected: yes. Observed: 3 variant alleles.
Comment: ACMG criteria applied: PS3_MOD, PM3, PP1, PP3

Women's Health and Genetics/Laboratory Corporation of America, LabCorp
Classification: Pathogenic for Charcot-Marie-Tooth disease type 4J. Last evaluated: 2022-05-05. Review status: criteria provided, single submitter. Criteria: LabCorp Variant Classification Summary - May 2015. Collection method: clinical testing. Allele origin: germline.
Comment: Variant summary: FIG4 c.122T>C (p.Ile41Thr) results in a non-conservative amino acid change in the encoded protein sequence. Five of five in-silico tools predict a damaging effect of the variant on protein function. The variant allele was found at a frequency of 0.00098 in 250852 control chromosomes. This frequency does not allow any conclusion about variant significance. c.122T>C has been reported in the literature as a compound heterozygous genotpye in multiple individuals affected with Charcot-Marie Disease Type 4J (example, Chow_2007, Gentil_2017, Michaelidou_2020). These data indicate that the variant is very likely to be associated with disease. At least one publication reports experimental evidence evaluating an impact on protein function (Chow_2007). The most pronounced variant effect results in impaired activation of the Fab1/PIKfyve kinase resulting from decreased levels of phosphatidylinositol-3,5-bisphosphate (PtdIns(3,5)P2). Multiple clinical diagnostic laboratories have submitted clinical-significance assessments for this variant to ClinVar after 2014 without evidence for independent evaluation and a majority consensus as Pathogenic (n=15). Based on the evidence outlined above, the variant was classified as pathogenic.

Mendelics
Classification: Pathogenic for Yunis-Varon syndrome. Last evaluated: 2022-05-04. Review status: criteria provided, single submitter. Criteria: Mendelics Assertion Criteria 2019. Collection method: clinical testing. Allele origin: germline.

Pittsburgh Clinical Genomics Laboratory, University of Pittsburgh Medical Center
Classification: Pathogenic for Amyotrophic lateral sclerosis type 11. Last evaluated: 2022-04-01. Review status: criteria provided, single submitter. Criteria: ACMG Guidelines, 2015. Collection method: clinical testing. Allele origin: germline. Inheritance: Autosomal recessive inheritance. Affected: yes.
Comment: This sequence variant is a single nucleotide substitution (T>C) which results in an isoleucine to threonine amino acid change at residue 41 of the FIG4 protein. This is a previously reported variant (ClinVar) which has been observed in homozygous state (PMID: 33405357, 31743256) or compound heterozygous state with a null allele in individuals with Charcot-Marie-Tooth Type 4J (PMID: 17572665, 18556664 , 21705420, 23489662, 24878229); though the variant has also been observed on occasion in individuals with amyotrophic lateral sclerosis (PMID: 28430856, 25382069, 28051077), evidence suggests that the variant is not associated with that disease. This variant is rare in the gnomAD control population dataset (284/282242 alleles or 0.1%). Multiple functiol studies indicate that the variant protein has decreased function, stability, and ability to interact with scaffold proteins (PMID: 20630877, 21655088, 17572665). Given the available evidence, we consider this variant to be pathogenic. ACMG Criteria: PM1, PM3, PP3, PS3, PS4

Dasa
Classification: Pathogenic. Last evaluated: 2022-01-05. Review status: criteria provided, single submitter. Criteria: ACMG Guidelines, 2015. Collection method: clinical testing. Allele origin: germline. Affected: yes. Observed: 1 variant allele.
Comment: The c.122T>C;p.(Ile41Thr) missense variant has been observed in affected individual(s) and ClinVar contains an entry for this variant (ClinVar ID: 1721; OMIM: 609390.0001; PMID: 20301641; 17572665) - PS4_moderate. Well-established in vitro or in vivo functional studies support a damaging effect on the gene or gene product ( PMID: 17572665; 21655088) - PS3_moderate. Multiple lines of computational evidence support a deleterious effect on the gene or gene product - PP3. and allele frequency is greater than expected for disorder -BS1. In summary, the currently available evidence indicates that the variant is pathogenic.

Baylor Genetics
Classification: Pathogenic for Charcot-Marie-Tooth disease type 4J. Last evaluated: 2021-12-17. Review status: criteria provided, single submitter. Criteria: ACMG Guidelines, 2015. Collection method: clinical testing. Allele origin: unknown.

GeneDx
Classification: Pathogenic. Last evaluated: 2021-04-14. Review status: criteria provided, single submitter. Criteria: GeneDx Variant Classification Process June 2021. Collection method: clinical testing. Allele origin: germline. Affected: yes.
Comment: Published functional studies demonstrate protein instability resulting in low levels of FIG4 protein (Lenk et al., 2011); Observed in the heterozygous state in multiple individuals with ALS or PLS (Cady et al., 2015; Osmanovic et al., 2017; Morgan et al., 2017); In silico analysis supports that this missense variant has a deleterious effect on protein structure/function; This variant is associated with the following publications: (PMID: 30373780, 24878229, 23489662, 18261132, 20630877, 25617005, 22131434, 19118816, 17572665, 21705420, 21655088, 27549087, 28051077, 25382069, 28859335, 29468183, 32022442, 31980526, 32268254, 28430856, 31589614, 33096303, 32376792)

Genetic Services Laboratory, University of Chicago
Classification: Pathogenic. Last evaluated: 2020-11-30. Review status: criteria provided, single submitter. Criteria: ACMG Guidelines, 2015. Collection method: clinical testing. Allele origin: germline. Affected: yes.

Institute of Medical Genetics and Applied Genomics, University Hospital Tübingen
Classification: Pathogenic. Last evaluated: 2020-10-23. Review status: criteria provided, single submitter. Criteria: ACMG Guidelines, 2015. Collection method: clinical testing. Allele origin: germline. Inheritance: Unknown mechanism. Affected: yes.